The following is an entry in ClinVar:

NM_054012.4(ASS1):c.1075T>G (p.Tyr359Asp)

Gene: ASS1 (argininosuccinate synthase 1; plus strand). Cytogenetic location: 9q34.11.
Variant type: single nucleotide variant.
Coding change: c.1075T>G on transcript NM_054012.4 (MANE Select); coding-DNA position 1075, T replaced by G.
Protein change: p.Tyr359Asp; replaces tyrosine 359 with aspartic acid.
Molecular consequence: missense variant.
Genome position (GRCh38, 1-based): chr9:130,494,971, T>G. VCF-style: chr9-130494971-T-G. GRCh37 (hg19) VCF-style: chr9-133370358-T-G.
Other names: c.1075T>G, p.Tyr359Asp (NM_000050.4); short protein forms Y359D.
Identifiers: ClinVar variation 569667 (VCV000569667.10), dbSNP rs1262020902, ClinGen allele CA375232195.
Genomic context (GRCh38, chr9:130,494,971, plus strand): 5'-GCCAAGTCCCAGGAGCGAGTGGAAGGGAAAGTGCAGGTGTCCGTCCTCAAGGGCCAGGTG[T>G]ACATCCTCGGCCGGGAGTCCCCACTGTCTCTCTACAATGAGGAGCTGGTGAGGTAGGTGC-3'
Protein context (NP_446464.1, residues 349-369): VQVSVLKGQV[Tyr359Asp]ILGRESPLSL

ClinVar aggregate classification (germline): Pathogenic (1 of 4 stars; one submission).

Conditions:
Citrullinemia. Identifiers: Orphanet 187, MedGen C0175683, MONDO:0015991.

Submission:

Labcorp Genetics (formerly Invitae), Labcorp
Classification: Pathogenic for Citrullinemia. Last evaluated: 2023-11-27. Review status: criteria provided, single submitter. Criteria: Invitae Variant Classification Sherloc (09022015). Collection method: clinical testing. Allele origin: germline.
Comment: This sequence change replaces tyrosine, which is neutral and polar, with aspartic acid, which is acidic and polar, at codon 359 of the ASS1 protein (p.Tyr359Asp). This variant is not present in population databases (gnomAD no frequency). This missense change has been observed in individuals with citrullinemia (PMID: 19006241; Invitae). It has also been observed to segregate with disease in related individuals. ClinVar contains an entry for this variant (Variation ID: 569667). Advanced modeling of protein sequence and biophysical properties (such as structural, functional, and spatial information, amino acid conservation, physicochemical variation, residue mobility, and thermodynamic stability) performed at Invitae indicates that this missense variant is not expected to disrupt ASS1 protein function with a negative predictive value of 80%. For these reasons, this variant has been classified as Pathogenic.

Literature cited by the submitters: PubMed 19006241.